The following is an entry in ClinVar:

NM_007315.4(STAT1):c.1591G>A (p.Ala531Thr)

Gene: STAT1 (signal transducer and activator of transcription 1; minus strand). Cytogenetic location: 2q32.2.
Variant type: single nucleotide variant.
Coding change: c.1591G>A on transcript NM_007315.4 (MANE Select); coding-DNA position 1591, G replaced by A.
Protein change: p.Ala531Thr; replaces alanine 531 with threonine.
Molecular consequence: missense variant.
Genome position (GRCh38, 1-based): chr2:190,980,661, C>T on the plus strand (G>A on the coding strand, the complement: STAT1 is on the minus strand). VCF-style: chr2-190980661-C-T. GRCh37 (hg19) VCF-style: chr2-191845387-C-T.
Other names: c.1585G>A, p.Ala529Thr (NM_001384882.1); c.1492G>A, p.Ala498Thr (NM_001384883.1); c.1597G>A, p.Ala533Thr (NM_001384884.1, NM_001384881.1); c.1432G>A, p.Ala478Thr (NM_001384885.1); c.1591G>A, p.Ala531Thr (NM_001384886.1, NM_001384889.1, NM_139266.3); c.1498G>A, p.Ala500Thr (NM_001384887.1); c.1561G>A, p.Ala521Thr (NM_001384888.1); c.1501G>A, p.Ala501Thr (NM_001384890.1); and 2 more; short protein forms A531T, A478T, A498T, A500T, A501T, A511T, A521T, A529T.
Identifiers: ClinVar variation 951668 (VCV000951668.8), dbSNP rs148573907, ClinGen allele CA2029882.

ClinVar aggregate classification (germline): Uncertain significance (1 of 4 stars; one submission).

Conditions:
Autoimmune enteropathy and endocrinopathy - susceptibility to chronic infections syndrome. Also called: Immunodeficiency 31C; Immunodeficiency 31C, autosomal dominant. Identifiers: Orphanet 391487, MedGen C3279990, MONDO:0013599, OMIM 614162.
Immunodeficiency 31B. Also called: IMMUNODEFICIENCY 31B, MYCOBACTERIAL AND VIRAL INFECTIONS, AUTOSOMAL RECESSIVE; STAT1 DEFICIENCY, AUTOSOMAL RECESSIVE. Identifiers: Orphanet 391311, MedGen C3151088, MONDO:0013427, OMIM 613796.
Mendelian susceptibility to mycobacterial diseases due to partial STAT1 deficiency. Also called: IMMUNODEFICIENCY 31A, MYCOBACTERIOSIS, AUTOSOMAL DOMINANT; STAT1 DEFICIENCY, AUTOSOMAL DOMINANT; Immunodeficiency 31a. Identifiers: Orphanet 319595, MedGen C4013950, MONDO:0013956, OMIM 614892.

Allele frequency attached by ClinVar (database versions not stated): gnomAD exomes 0.00003 and 0.00010; ExAC 0.00011; ESP Exome Variant Server 0.00031; gnomAD 0.00047 and 0.00048; TOPMed 0.00055; 1000 Genomes Project 0.00100; 1000 Genomes Project 30x 0.00109.
gnomAD v4.1: 122 of 1,614,178 alleles (0.0076%); highest among the groups gnomAD compares: African/African-American, 0.12%; no homozygotes.

Submission:

Labcorp Genetics (formerly Invitae), Labcorp
Classification: Uncertain significance for Mendelian susceptibility to mycobacterial diseases due to partial STAT1 deficiency; Immunodeficiency 31B; Autoimmune enteropathy and endocrinopathy - susceptibility to chronic infections syndrome. Last evaluated: 2025-10-21. Review status: criteria provided, single submitter. Criteria: Invitae Variant Classification Sherloc (09022015). Collection method: clinical testing. Allele origin: germline.
Comment: This sequence change replaces alanine, which is neutral and non-polar, with threonine, which is neutral and polar, at codon 531 of the STAT1 protein (p.Ala531Thr). This variant is present in population databases (rs148573907, gnomAD 0.1%). This variant has not been reported in the literature in individuals affected with STAT1-related conditions. ClinVar contains an entry for this variant (Variation ID: 951668). An algorithm developed to predict the effect of missense changes on protein structure and function (PolyPhen-2) suggests that this variant is likely to be tolerated. In summary, the available evidence is currently insufficient to determine the role of this variant in disease. Therefore, it has been classified as a Variant of Uncertain Significance.